The following is an entry in ClinVar:

NM_000038.6(APC):c.5999G>C (p.Ser2000Thr)

Gene: APC (APC regulator of Wnt signaling pathway; plus strand). Cytogenetic location: 5q22.2.
Variant type: single nucleotide variant.
Coding change: c.5999G>C on transcript NM_000038.6 (MANE Select); coding-DNA position 5999, G replaced by C.
Protein change: p.Ser2000Thr; replaces serine 2000 with threonine.
Molecular consequence: missense variant.
Genome position (GRCh38, 1-based): chr5:112,841,593, G>C. VCF-style: chr5-112841593-G-C. GRCh37 (hg19) VCF-style: chr5-112177290-G-C.
Other names: c.5999G>C, p.Ser2000Thr (NM_001127510.3, NM_001354895.2, NM_001407450.1); c.5945G>C, p.Ser1982Thr (NM_001127511.3); c.6053G>C, p.Ser2018Thr (NM_001354896.2, NM_001407447.1, NM_001407448.1 and 1 more transcripts); c.6029G>C, p.Ser2010Thr (NM_001354897.2); c.5924G>C, p.Ser1975Thr (NM_001354898.2); c.5915G>C, p.Ser1972Thr (NM_001354899.2); c.5876G>C, p.Ser1959Thr (NM_001354900.2); c.5822G>C, p.Ser1941Thr (NM_001354901.2, NM_001407453.1); and 11 more; short protein forms S1871T, S1874T, S1909T, S1959T, S1975T, S1990T, S2010T, S2028T.
Identifiers: ClinVar variation 1750927 (VCV001750927.2), dbSNP rs760115941, ClinGen allele CA043675.

ClinVar aggregate classification (germline): Uncertain significance (1 of 4 stars; one submission).

Conditions:
Hereditary cancer-predisposing syndrome. Also called: Hereditary Cancer Syndrome; Hereditary neoplastic syndrome; Neoplastic Syndromes, Hereditary; Tumor predisposition. Identifiers: Orphanet 140162, MedGen C0027672, MeSH D009386, MONDO:0015356.

Allele frequency attached by ClinVar (database versions not stated): ExAC 0.00001.
gnomAD v4.1: 2 of 1,613,784 alleles (0.00012%); highest among the groups gnomAD compares: Non-Finnish European, 0.00017%; no homozygotes.

Submission:

Ambry Genetics
Classification: Uncertain significance for Hereditary cancer-predisposing syndrome. Last evaluated: 2020-09-03. Review status: criteria provided, single submitter. Criteria: Ambry Variant Classification Scheme 2023. Collection method: clinical testing. Allele origin: germline.
Comment: The p.S2000T variant (also known as c.5999G>C), located in coding exon 15 of the APC gene, results from a G to C substitution at nucleotide position 5999. The serine at codon 2000 is replaced by threonine, an amino acid with similar properties. This amino acid position is not well conserved in available vertebrate species. In addition, in silico predictors for this gene do not accurately predict pathogenicity. Since supporting evidence is limited at this time, the clinical significance of this alteration remains unclear.